The following is an entry in ClinVar:

NM_000059.4(BRCA2):c.4477G>C (p.Glu1493Gln)

Gene: BRCA2 (BRCA2 DNA repair associated; plus strand). Cytogenetic location: 13q13.1.
Variant type: single nucleotide variant.
Coding change: c.4477G>C on transcript NM_000059.4 (MANE Select); coding-DNA position 4477, G replaced by C.
Protein change: p.Glu1493Gln; replaces glutamic acid 1493 with glutamine.
Molecular consequence: missense variant.
Genome position (GRCh38, 1-based): chr13:32,338,832, G>C. VCF-style: chr13-32338832-G-C. GRCh37 (hg19) VCF-style: chr13-32912969-G-C.
Other names: 4705G>C; short protein forms E1493Q.
Identifiers: ClinVar variation 91821 (VCV000091821.14), dbSNP rs398122782, ClinGen allele CA020254.

ClinVar aggregate classification (germline): Conflicting classifications of pathogenicity. Review status: criteria provided, conflicting classifications (1 of 4 stars). 5 submissions from 5 submitters: Uncertain significance (3); Likely benign (1). 1 of the submissions does not count toward it. Last evaluated 2026-04-21.

Conditions:
Hereditary cancer-predisposing syndrome. Also called: Neoplastic Syndromes, Hereditary; Hereditary neoplastic syndrome; Tumor predisposition; Hereditary Cancer Syndrome. Identifiers: Orphanet 140162, MedGen C0027672, MeSH D009386, MONDO:0015356.
Hereditary breast ovarian cancer syndrome. Also called: Hereditary breast and/or ovarian cancer syndrome; Hereditary breast and ovarian cancer; Hereditary breast and ovarian cancer syndrome (HBOC); Breast and ovarian cancer; BRCA1- and BRCA2-Associated Hereditary Breast and Ovarian Cancer; Hereditary breast and ovarian cancer syndrome. Identifiers: Orphanet 145, MedGen C0677776, MeSH D061325, MONDO:0003582. Disease mechanism: loss of function.
Breast-ovarian cancer, familial, susceptibility to, 2 (BROVCA2). Also called: BRCA2 Hereditary Breast and Ovarian Cancer. Identifiers: Orphanet 145, MedGen C2675520, MONDO:0012933, OMIM 612555. Disease mechanism: loss of function.

Submissions (5):

Ambry Genetics
Classification: Uncertain significance for Hereditary cancer-predisposing syndrome. Last evaluated: 2026-04-21. Review status: criteria provided, single submitter. Criteria: Ambry Variant Classification Scheme 2023. Collection method: clinical testing. Allele origin: germline.
Comment: The p.E1493Q variant (also known as c.4477G>C), located in coding exon 10 of the BRCA2 gene, results from a G to C substitution at nucleotide position 4477. The glutamic acid at codon 1493 is replaced by glutamine, an amino acid with highly similar properties. This amino acid position is not well conserved in available vertebrate species. In addition, this alteration is predicted to be tolerated by in silico analysis. Based on the available evidence, the clinical significance of this variant remains unclear.

Labcorp Genetics (formerly Invitae), Labcorp
Classification: Uncertain significance for Hereditary breast ovarian cancer syndrome. Last evaluated: 2024-07-18. Review status: criteria provided, single submitter. Criteria: Invitae Variant Classification Sherloc (09022015). Collection method: clinical testing. Allele origin: germline.
Comment: This sequence change replaces glutamic acid, which is acidic and polar, with glutamine, which is neutral and polar, at codon 1493 of the BRCA2 protein (p.Glu1493Gln). This variant is not present in population databases (gnomAD no frequency). This missense change has been observed in individual(s) with personal or family history of hereditary breast and ovarian cancer (PMID: 29161300). ClinVar contains an entry for this variant (Variation ID: 91821). Advanced modeling of protein sequence and biophysical properties (such as structural, functional, and spatial information, amino acid conservation, physicochemical variation, residue mobility, and thermodynamic stability) performed at Invitae indicates that this missense variant is not expected to disrupt BRCA2 protein function with a negative predictive value of 95%. In summary, the available evidence is currently insufficient to determine the role of this variant in disease. Therefore, it has been classified as a Variant of Uncertain Significance.

University of Washington Department of Laboratory Medicine, University of Washington
Classification: Likely benign for Hereditary cancer-predisposing syndrome. Last evaluated: 2023-03-23. Review status: criteria provided, single submitter. Criteria: Dines et al. (Genet Med. 2020). Collection method: curation. Allele origin: germline.
Comment: Missense variant in a coldspot region where missense variants are very unlikely to be pathogenic (PMID:31911673).

BRCA2 exon 11 coldspot. Reclassification based on statistical prior probability.

Color Diagnostics, LLC DBA Color Health
Classification: Uncertain significance for Hereditary cancer-predisposing syndrome. Last evaluated: 2022-07-11. Review status: criteria provided, single submitter. Criteria: ACMG Guidelines, 2015. Collection method: clinical testing. Allele origin: germline.
Comment: This missense variant replaces glutamic acid with glutamine at codon 1493 of the BRCA2 protein. Computational prediction suggests that this variant may not impact protein structure and function (internally defined REVEL score threshold <= 0.5, PMID: 27666373). To our knowledge, functional studies have not been reported for this variant. This variant has been reported in 2 individuals with a personal or family history of BRCA2-associated cancers (PMID: 29161300). This variant has not been identified in the general population by the Genome Aggregation Database (gnomAD). The available evidence is insufficient to determine the role of this variant in disease conclusively. Therefore, this variant is classified as a Variant of Uncertain Significance.

Sharing Clinical Reports Project (SCRP)
Classification: Uncertain significance for Breast-ovarian cancer, familial 2. Last evaluated: 2009-09-10. Review status: no assertion criteria provided. Collection method: clinical testing. Allele origin: germline. Not counted in ClinVar's aggregate classification.

Literature cited by the submitters: PubMed 29161300 (cited by Labcorp Genetics (formerly Invitae), Labcorp and Color Diagnostics, LLC DBA Color Health).